The following is an entry in ClinVar:

NM_005751.5(AKAP9):c.3708A>T (p.Glu1236Asp)

Gene: AKAP9 (A-kinase anchoring protein 9; plus strand). Cytogenetic location: 7q21.2.
Variant type: single nucleotide variant.
Coding change: c.3708A>T on transcript NM_005751.5 (MANE Select); coding-DNA position 3708, A replaced by T.
Protein change: p.Glu1236Asp; replaces glutamic acid 1236 with aspartic acid.
Molecular consequence: missense variant.
Genome position (GRCh38, 1-based): chr7:92,016,224, A>T. VCF-style: chr7-92016224-A-T. GRCh37 (hg19) VCF-style: chr7-91645538-A-T.
Other names: c.3708A>T, p.Glu1236Asp (NM_147185.3); short protein forms E1236D.
Identifiers: ClinVar variation 360822 (VCV000360822.13), dbSNP rs751002727, ClinGen allele CA4336373.

ClinVar aggregate classification (germline): Uncertain significance. Review status: criteria provided, multiple submitters, no conflicts (2 of 4 stars). 2 submissions from 2 submitters: Uncertain significance (2). Last evaluated 2025-07-28.

Conditions:
Cardiovascular phenotype. Identifiers: MedGen CN230736.
Long QT syndrome (LQTS). Identifiers: MedGen C0023976, MeSH D008133, MONDO:0002442. Disease mechanism: loss of function. Inheritance: Various modes of inheritance.

Allele frequency attached by ClinVar (database versions not stated): gnomAD 0.00001; gnomAD exomes 0.00001 and 0.00002; TOPMed 0.00001; ExAC 0.00003.
gnomAD v4.1: 19 of 1,575,090 alleles (0.0012%); highest among the groups gnomAD compares: Non-Finnish European, 0.0016%; no homozygotes.

Submissions (2):

Ambry Genetics
Classification: Uncertain significance for Cardiovascular phenotype. Last evaluated: 2025-07-28. Review status: criteria provided, single submitter. Criteria: Ambry Variant Classification Scheme 2023. Collection method: clinical testing. Allele origin: germline.
Comment: The p.E1236D variant (also known as c.3708A>T), located in coding exon 11 of the AKAP9 gene, results from an A to T substitution at nucleotide position 3708. The glutamic acid at codon 1236 is replaced by aspartic acid, an amino acid with highly similar properties. This amino acid position is conserved. In addition, this alteration is predicted to be tolerated by in silico analysis. Since supporting evidence is limited at this time, the clinical significance of this alteration remains unclear.

Labcorp Genetics (formerly Invitae), Labcorp
Classification: Uncertain significance for Long QT syndrome. Last evaluated: 2024-04-25. Review status: criteria provided, single submitter. Criteria: Invitae Variant Classification Sherloc (09022015). Collection method: clinical testing. Allele origin: germline.
Comment: This sequence change replaces glutamic acid, which is acidic and polar, with aspartic acid, which is acidic and polar, at codon 1236 of the AKAP9 protein (p.Glu1236Asp). This variant is present in population databases (rs751002727, gnomAD 0.004%). This variant has not been reported in the literature in individuals affected with AKAP9-related conditions. ClinVar contains an entry for this variant (Variation ID: 360822). An algorithm developed to predict the effect of missense changes on protein structure and function (PolyPhen-2) suggests that this variant is likely to be tolerated. In summary, the available evidence is currently insufficient to determine the role of this variant in disease. Therefore, it has been classified as a Variant of Uncertain Significance.